The following is an entry in ClinVar:

ClinVar aggregate classification (germline): Uncertain significance (1 of 4 stars; one submission).

Conditions:
NR5A1-related disorder. Also called: NR5A1-related condition.

Submission:

PreventionGenetics, part of Exact Sciences
Classification: Uncertain significance for NR5A1-related condition. Last evaluated: 2025-05-22. Review status: criteria provided, single submitter. Criteria: ACMG Guidelines, 2015. Collection method: clinical testing. Allele origin: germline.
Comment: The NR5A1 c.205C>A variant is predicted to result in the amino acid substitution p.Arg69Ser. To our knowledge, this variant has not been reported in the literature or in a large population database (gnomAD), indicating this variant is rare. This variant is located in the second zinc finger of the NR5A1 N-terminal DNA-binding domain, and several alternate missense variants (p.Arg69Gly, p.Arg69His, p.Arg69Pro, p.Arg69Leu) have been reported de novo or inherited from a mosaic unaffected parent and shown to be functionally damaging in multiple individuals with 46,XY differences of sex development (DSD) (see Na et al. 2020. PubMed ID: 32738419; Table S1, Zidoune et al. 2022. PubMed ID: 36110220; Zheng et al. 2023. PubMed ID: 36745277; Damji et al. 2023. PubMed ID: 37185284). Although we suspect this variant maybe pathogenic, at this time, the clinical significance of this variant is uncertain due to the absence of conclusive functional and genetic evidence.

NM_004959.5(NR5A1):c.205C>A (p.Arg69Ser)

Gene: NR5A1 (nuclear receptor subfamily 5 group A member 1; minus strand). Cytogenetic location: 9q33.3.
Variant type: single nucleotide variant.
Coding change: c.205C>A on transcript NM_004959.5 (MANE Select); coding-DNA position 205, C replaced by A.
Protein change: p.Arg69Ser; replaces arginine 69 with serine.
Molecular consequence: missense variant.
Genome position (GRCh38, 1-based): chr9:124,503,118, G>T on the plus strand (C>A on the coding strand, the complement: NR5A1 is on the minus strand). VCF-style: chr9-124503118-G-T. GRCh37 (hg19) VCF-style: chr9-127265397-G-T.
Other names: short protein forms R69S.
Identifiers: ClinVar variation 5001765 (VCV005001765.1).
Genomic context (GRCh38, chr9:124,503,118, plus strand): 5'-CGAGGCCCGCGCGGCGCGCACCTTCCAGGCGCATCCCCACCGTCAGGCATTTCTGGAAGC[G>T]GCAGAAGGGACAGCGCTTGCGCTGCGTCTTGTCGATCTTGCAGCTCTGGCTCTCGGTGCA-3'
Protein context (NP_004950.2, residues 59-79): KTQRKRCPFC[Arg69Ser]FQKCLTVGMR